The following is an entry in ClinVar:

NM_000812.4(GABRB1):c.17A>G (p.Asn6Ser)

Gene: GABRB1 (gamma-aminobutyric acid type A receptor subunit beta1; plus strand). Cytogenetic location: 4p12.
Variant type: single nucleotide variant.
Coding change: c.17A>G on transcript NM_000812.4 (MANE Select); coding-DNA position 17, A replaced by G.
Protein change: p.Asn6Ser; replaces asparagine 6 with serine.
Molecular consequence: missense variant.
Genome position (GRCh38, 1-based): chr4:47,031,668, A>G. VCF-style: chr4-47031668-A-G. GRCh37 (hg19) VCF-style: chr4-47033685-A-G.
Other names: short protein forms N6S.
Identifiers: ClinVar variation 1509898 (VCV001509898.6), dbSNP rs1725303494, ClinGen allele CA356805151.

ClinVar aggregate classification (germline): Uncertain significance (1 of 4 stars; one submission).

Allele frequency attached by ClinVar (database versions not stated): TOPMed below 0.00001.

Submission:

Labcorp Genetics (formerly Invitae), Labcorp
Classification: Uncertain significance. Last evaluated: 2023-12-06. Review status: criteria provided, single submitter. Criteria: Invitae Variant Classification Sherloc (09022015). Collection method: clinical testing. Allele origin: germline.
Comment: This sequence change replaces asparagine, which is neutral and polar, with serine, which is neutral and polar, at codon 6 of the GABRB1 protein (p.Asn6Ser). This variant is not present in population databases (gnomAD no frequency). This variant has not been reported in the literature in individuals affected with GABRB1-related conditions. ClinVar contains an entry for this variant (Variation ID: 1509898). An algorithm developed to predict the effect of missense changes on protein structure and function (PolyPhen-2) suggests that this variant is likely to be tolerated. In summary, the available evidence is currently insufficient to determine the role of this variant in disease. Therefore, it has been classified as a Variant of Uncertain Significance.